The following is an entry in ClinVar:

ClinVar aggregate classification (germline): Uncertain significance (1 of 4 stars; one submission).

Conditions:
Facioscapulohumeral muscular dystrophy 2 (FSHD2). Also called: MUSCULAR DYSTROPHY, FACIOSCAPULOHUMERAL, TYPE 1B; FACIOSCAPULOHUMERAL MUSCULAR DYSTROPHY 2, DIGENIC; FSHD2, DIGENIC. Identifiers: Orphanet 269, MedGen C1834671, MONDO:0008031, OMIM 158901.

Allele frequency attached by ClinVar (database versions not stated): gnomAD exomes below 0.00001.
gnomAD v4.1: 5 of 1,613,218 alleles (0.00031%); highest among the groups gnomAD compares: African/African-American, 0.0013%; no homozygotes.

Submission:

Labcorp Genetics (formerly Invitae), Labcorp
Classification: Uncertain significance for Facioscapulohumeral muscular dystrophy 2. Last evaluated: 2022-02-10. Review status: criteria provided, single submitter. Criteria: Invitae Variant Classification Sherloc (09022015). Collection method: clinical testing. Allele origin: germline.
Comment: This variant is not present in population databases (gnomAD no frequency). In summary, the available evidence is currently insufficient to determine the role of this variant in disease. Therefore, it has been classified as a Variant of Uncertain Significance. Algorithms developed to predict the effect of missense changes on protein structure and function (SIFT, PolyPhen-2, Align-GVGD) all suggest that this variant is likely to be tolerated. This variant has not been reported in the literature in individuals affected with SMCHD1-related conditions. This sequence change replaces isoleucine, which is neutral and non-polar, with valine, which is neutral and non-polar, at codon 503 of the SMCHD1 protein (p.Ile503Val).

NM_015295.3(SMCHD1):c.1507A>G (p.Ile503Val)

Gene: SMCHD1 (structural maintenance of chromosomes flexible hinge domain containing 1; plus strand). Cytogenetic location: 18p11.32.
Variant type: single nucleotide variant.
Coding change: c.1507A>G on transcript NM_015295.3 (MANE Select); coding-DNA position 1507, A replaced by G.
Protein change: p.Ile503Val; replaces isoleucine 503 with valine.
Molecular consequence: missense variant.
Genome position (GRCh38, 1-based): chr18:2,700,778, A>G. VCF-style: chr18-2700778-A-G. GRCh37 (hg19) VCF-style: chr18-2700776-A-G.
Other names: short protein forms I503V.
Identifiers: ClinVar variation 2417394 (VCV002417394.6), dbSNP rs2510027738, ClinGen allele CA401699673.